The following is an entry in ClinVar:

ClinVar aggregate classification (germline): Benign (1 of 4 stars; one submission).

Allele frequency attached by ClinVar (database versions not stated): 1000 Genomes Project 0.00280; 1000 Genomes Project 30x 0.00312; TOPMed 0.00820; gnomAD 0.00836 and 0.00919; gnomAD exomes 0.00888; ExAC 0.01192.
gnomAD v4.1: 20,623 of 1,541,956 alleles (1.3%); highest among the groups gnomAD compares: Non-Finnish European, 1.6%; 178 homozygotes.

Submission:

CeGaT Center for Human Genetics Tuebingen
Classification: Benign. Last evaluated: 2023-01-01. Review status: criteria provided, single submitter. Criteria: CeGaT Center For Human Genetics Tuebingen Variant Classification Criteria Version 2. Collection method: clinical testing. Allele origin: germline. Affected: yes. Observed: 2 variant alleles.
Comment: PMPCB: BS1, BS2

NM_004279.3(PMPCB):c.99+115C>T

Genes: PMPCB (peptidase, mitochondrial processing subunit beta; plus strand), LOC129999056 (ATAC-STARR-seq lymphoblastoid active region 26441; plus strand). Cytogenetic location: 7q22.1.
Variant type: single nucleotide variant.
Coding change: c.99+115C>T on transcript NM_004279.3 (MANE Select); 115 bases into the intron after coding-DNA position 99, C replaced by T.
Molecular consequence: intron variant.
Genome position (GRCh38, 1-based): chr7:103,297,673, C>T. VCF-style: chr7-103297673-C-T. GRCh37 (hg19) VCF-style: chr7-102938120-C-T.
Identifiers: ClinVar variation 1701532 (VCV001701532.31), dbSNP rs192846145, ClinGen allele CA4417827.